The following is an entry in ClinVar:

NM_019066.5(MAGEL2):c.936G>A (p.Ala312=)

Gene: MAGEL2 (MAGE family member L2; minus strand). Cytogenetic location: 15q11.2.
Variant type: single nucleotide variant.
Coding change: c.936G>A on transcript NM_019066.5 (MANE Select); coding-DNA position 936, G replaced by A.
Protein change: p.Ala312=; no amino-acid change (alanine 312 retained).
Molecular consequence: synonymous variant.
Genome position (GRCh38, 1-based): chr15:23,646,807, C>T on the plus strand (G>A on the coding strand, the complement: MAGEL2 is on the minus strand). VCF-style: chr15-23646807-C-T. GRCh37 (hg19) VCF-style: chr15-23891954-C-T.
Identifiers: ClinVar variation 3608953 (VCV003608953.2).
Genomic context (GRCh38, chr15:23,646,807, plus strand): 5'-CTGCGGGGCCCAAGAAGCCATCGGCTGTGCAGGTGGGGCCATCGGCTGTGCAGGTGGGGC[C>T]GCCGGCTGTGCCATCGGTGCTCCTGAAGCTGGAGGCTGGGTCATCGGAGCTCTCGCACCT-3'
Protein context (NP_061939.3, residues 302-322): PASGAPMAQP[Ala312=]APPAQPMAPP

ClinVar aggregate classification (germline): Uncertain significance (1 of 4 stars; one submission).

Submission:

Labcorp Genetics (formerly Invitae), Labcorp
Classification: Uncertain significance. Last evaluated: 2024-10-26. Review status: criteria provided, single submitter. Criteria: Invitae Variant Classification Sherloc (09022015). Collection method: clinical testing. Allele origin: germline.
Comment: This sequence change affects codon 312 of the MAGEL2 mRNA. It is a 'silent' change, meaning that it does not change the encoded amino acid sequence of the MAGEL2 protein. This variant is not present in population databases (gnomAD no frequency). This variant has not been reported in the literature in individuals affected with MAGEL2-related conditions. In summary, the available evidence is currently insufficient to determine the role of this variant in disease. Therefore, it has been classified as a Variant of Uncertain Significance.